The following is an entry in ClinVar:

ClinVar aggregate classification (germline): Uncertain significance (1 of 4 stars; one submission).

gnomAD v4.1: 1 of 1,614,096 alleles (0.000062%); highest among the groups gnomAD compares: Non-Finnish European, 0.000085%; no homozygotes.

Submission:

GeneDx
Classification: Uncertain significance. Last evaluated: 2025-06-03. Review status: criteria provided, single submitter. Criteria: GeneDx Variant Classification Process June 2021. Collection method: clinical testing. Allele origin: germline. Affected: yes.
Comment: Not observed at significant frequency in large population cohorts (gnomAD); In silico analysis supports that this missense variant has a deleterious effect on protein structure/function; Has not been previously published as pathogenic or benign to our knowledge

NM_014712.3(SETD1A):c.4808G>A (p.Arg1603His)

Gene: SETD1A (SET domain containing 1A, histone lysine methyltransferase; plus strand). Cytogenetic location: 16p11.2.
Variant type: single nucleotide variant.
Coding change: c.4808G>A on transcript NM_014712.3 (MANE Select); coding-DNA position 4808, G replaced by A.
Protein change: p.Arg1603His; replaces arginine 1603 with histidine.
Molecular consequence: missense variant.
Genome position (GRCh38, 1-based): chr16:30,981,176, G>A. VCF-style: chr16-30981176-G-A. GRCh37 (hg19) VCF-style: chr16-30992497-G-A.
Other names: short protein forms R1603H.
Identifiers: ClinVar variation 4536411 (VCV004536411.1).